The following is an entry in ClinVar:

NM_030662.4(MAP2K2):c.908G>A (p.Arg303His)

Gene: MAP2K2 (mitogen-activated protein kinase kinase 2; minus strand). Cytogenetic location: 19p13.3.
Variant type: single nucleotide variant.
Coding change: c.908G>A on transcript NM_030662.4 (MANE Select); coding-DNA position 908, G replaced by A.
Protein change: p.Arg303His; replaces arginine 303 with histidine.
Molecular consequence: missense variant.
Genome position (GRCh38, 1-based): chr19:4,099,212, C>T on the plus strand (G>A on the coding strand, the complement: MAP2K2 is on the minus strand). VCF-style: chr19-4099212-C-T. GRCh37 (hg19) VCF-style: chr19-4099210-C-T.
Other names: short protein forms R303H.
Identifiers: ClinVar variation 1381883 (VCV001381883.9), dbSNP rs1251433138, ClinGen allele CA403385151.

ClinVar aggregate classification (germline): Uncertain significance. Review status: criteria provided, multiple submitters, no conflicts (2 of 4 stars). 2 submissions from 2 submitters: Uncertain significance (2). Last evaluated 2024-06-26.

Conditions:
RASopathy. Also called: rasopathies; Noonan spectrum disorder. Identifiers: Orphanet 536391, MedGen C5555857, MONDO:0021060.
Cardiovascular phenotype. Identifiers: MedGen CN230736.

Allele frequency attached by ClinVar (database versions not stated): gnomAD exomes below 0.00001; TOPMed 0.00001.
gnomAD v4.1: 15 of 1,602,606 alleles (0.00094%); highest among the groups gnomAD compares: African/African-American, 0.0013%; no homozygotes.

Submissions (2):

Labcorp Genetics (formerly Invitae), Labcorp
Classification: Uncertain significance for RASopathy. Last evaluated: 2024-06-26. Review status: criteria provided, single submitter. Criteria: Invitae Variant Classification Sherloc (09022015). Collection method: clinical testing. Allele origin: germline.
Comment: This sequence change replaces arginine, which is basic and polar, with histidine, which is basic and polar, at codon 303 of the MAP2K2 protein (p.Arg303His). The frequency data for this variant in the population databases is considered unreliable, as metrics indicate poor data quality at this position in the gnomAD database. This variant has not been reported in the literature in individuals affected with MAP2K2-related conditions. ClinVar contains an entry for this variant (Variation ID: 1381883). Advanced modeling of protein sequence and biophysical properties (such as structural, functional, and spatial information, amino acid conservation, physicochemical variation, residue mobility, and thermodynamic stability) performed at Invitae indicates that this missense variant is not expected to disrupt MAP2K2 protein function with a negative predictive value of 95%. In summary, the available evidence is currently insufficient to determine the role of this variant in disease. Therefore, it has been classified as a Variant of Uncertain Significance.

Ambry Genetics
Classification: Uncertain significance for Cardiovascular phenotype. Last evaluated: 2021-08-31. Review status: criteria provided, single submitter. Criteria: Ambry Variant Classification Scheme 2023. Collection method: clinical testing. Allele origin: germline.
Comment: The p.R303H variant (also known as c.908G>A), located in coding exon 7 of the MAP2K2 gene, results from a G to A substitution at nucleotide position 908. The arginine at codon 303 is replaced by histidine, an amino acid with highly similar properties. This amino acid position is conserved. In addition, the in silico prediction for this alteration is inconclusive. Since supporting evidence is limited at this time, the clinical significance of this alteration remains unclear.